The following is an entry in ClinVar:

ClinVar aggregate classification (germline): Uncertain significance. Review status: criteria provided, multiple submitters, no conflicts (2 of 4 stars). 3 submissions from 3 submitters: Uncertain significance (3). Last evaluated 2024-04-04.

Conditions:
Cardiomyopathy (CMYO). Also called: Cardiomyopathies. Identifiers: Orphanet 167848, MedGen C0878544, MONDO:0004994, HP:0001638. Inheritance: Various modes of inheritance.
Hypertrophic cardiomyopathy. Also called: HYPERTROPHIC MYOCARDIOPATHY. Identifiers: Orphanet 217569, MedGen C0007194, MeSH D002312, MONDO:0005045, HP:0001639.

Allele frequency attached by ClinVar (database versions not stated): gnomAD exomes 0.00001.
gnomAD v4.1: 7 of 1,610,604 alleles (0.00043%); highest among the groups gnomAD compares: Middle Eastern, 0.017%; no homozygotes.

Submissions (3):

Labcorp Genetics (formerly Invitae), Labcorp
Classification: Uncertain significance for Hypertrophic cardiomyopathy. Last evaluated: 2024-04-04. Review status: criteria provided, single submitter. Criteria: Invitae Variant Classification Sherloc (09022015). Collection method: clinical testing. Allele origin: germline.
Comment: This sequence change replaces threonine, which is neutral and polar, with serine, which is neutral and polar, at codon 1122 of the MYBPC3 protein (p.Thr1122Ser). This variant is not present in population databases (gnomAD no frequency). This missense change has been observed in individual(s) with hypertrophic cardiomyopathy (PMID: 27600940). ClinVar contains an entry for this variant (Variation ID: 1171316). An algorithm developed to predict the effect of missense changes on protein structure and function (PolyPhen-2) suggests that this variant is likely to be disruptive. In summary, the available evidence is currently insufficient to determine the role of this variant in disease. Therefore, it has been classified as a Variant of Uncertain Significance.

All of Us Research Program, National Institutes of Health
Classification: Uncertain significance for Hypertrophic cardiomyopathy. Last evaluated: 2023-12-13. Review status: criteria provided, single submitter. Criteria: ACMG Guidelines, 2015. Collection method: clinical testing. Allele origin: germline. Inheritance: Autosomal dominant inheritance. Observed: 1 variant allele, 1 heterozygote.
Comment: This missense variant replaces threonine with serine at codon 1122 of the MYBPC3 protein. Computational prediction is inconclusive regarding the impact of this variant on protein structure and function (internally defined REVEL score threshold 0.5 < inconclusive < 0.7, PMID: 27666373). To our knowledge, functional studies have not been reported for this variant. This variant has been reported in one individual affected with hypertrophic cardiomyopathy (PMID: 27600940). This variant has not been identified in the general population by the Genome Aggregation Database (gnomAD). The available evidence is insufficient to determine the role of this variant in disease conclusively. Therefore, this variant is classified as a Variant of Uncertain Significance.

This study involves interpretation of variants in research participants for the purpose of population health screening. Participant phenotype was not available at the time of variant classification. Additional details can be found in publication PMID: 35346344, PMCID: PMC8962531

Color Diagnostics, LLC DBA Color Health
Classification: Uncertain significance for Cardiomyopathy. Last evaluated: 2023-11-15. Review status: criteria provided, single submitter. Criteria: ACMG Guidelines, 2015. Collection method: clinical testing. Allele origin: germline.
Comment: This missense variant replaces threonine with serine at codon 1122 of the MYBPC3 protein. Computational prediction is inconclusive regarding the impact of this variant on protein structure and function. To our knowledge, functional studies have not been reported for this variant. This variant has been reported in one individual affected with hypertrophic cardiomyopathy (PMID: 27600940). This variant has not been identified in the general population by the Genome Aggregation Database (gnomAD). The available evidence is insufficient to determine the role of this variant in disease conclusively. Therefore, this variant is classified as a Variant of Uncertain Significance.

Literature cited by the submitters: PubMed 27600940 (cited by 3 submitters).

NM_000256.3(MYBPC3):c.3364A>T (p.Thr1122Ser)

Gene: MYBPC3 (myosin binding protein C3; minus strand). Cytogenetic location: 11p11.2.
Variant type: single nucleotide variant.
Coding change: c.3364A>T on transcript NM_000256.3 (MANE Select); coding-DNA position 3364, A replaced by T.
Protein change: p.Thr1122Ser; replaces threonine 1122 with serine.
Molecular consequence: missense variant.
Genome position (GRCh38, 1-based): chr11:47,332,940, T>A on the plus strand (A>T on the coding strand, the complement: MYBPC3 is on the minus strand). VCF-style: chr11-47332940-T-A. GRCh37 (hg19) VCF-style: chr11-47354491-T-A.
Other names: short protein forms T1122S.
Identifiers: ClinVar variation 1171316 (VCV001171316.7), dbSNP rs996588721, ClinGen allele CA221682291.